The following is an entry in ClinVar:

ClinVar aggregate classification (germline): Likely benign. Review status: criteria provided, single submitter (1 of 4 stars). 2 submissions from 2 submitters: Likely benign (1). 1 of the submissions does not count toward it. Last evaluated 2024-01-11.

Conditions:
Bardet-Biedl syndrome (BBS). Identifiers: Orphanet 110, MedGen C0752166, MONDO:0015229.
BBS4-related disorder. Also called: BBS4-related condition.

Allele frequency attached by ClinVar (database versions not stated): ExAC 0.00001.
gnomAD v4.1: 3 of 1,608,002 alleles (0.00019%); highest among the groups gnomAD compares: Middle Eastern, 0.017%; no homozygotes.

Submissions (2):

Labcorp Genetics (formerly Invitae), Labcorp
Classification: Likely benign for Bardet-Biedl syndrome. Last evaluated: 2024-01-11. Review status: criteria provided, single submitter. Criteria: Invitae Variant Classification Sherloc (09022015). Collection method: clinical testing. Allele origin: germline.

PreventionGenetics, part of Exact Sciences
Classification: Likely benign for BBS4-related condition. Last evaluated: 2024-05-10. Review status: no assertion criteria provided. Collection method: clinical testing. Allele origin: germline. Not counted in ClinVar's aggregate classification.
Comment: This variant is classified as likely benign based on ACMG/AMP sequence variant interpretation guidelines (Richards et al. 2015 PMID: 25741868, with internal and published modifications).

NM_033028.5(BBS4):c.1451-4C>T

Gene: BBS4 (Bardet-Biedl syndrome 4; plus strand). Cytogenetic location: 15q24.1.
Variant type: single nucleotide variant.
Coding change: c.1451-4C>T on transcript NM_033028.5 (MANE Select); 4 bases into the intron before coding-DNA position 1451, C replaced by T.
Molecular consequence: intron variant.
Genome position (GRCh38, 1-based): chr15:72,737,474, C>T. VCF-style: chr15-72737474-C-T. GRCh37 (hg19) VCF-style: chr15-73029815-C-T.
Other names: c.1382-4C>T (NM_001320665.2); c.935-4C>T (NM_001252678.2); c.1451-4C>T (NM_033028.4).
Identifiers: ClinVar variation 2702022 (VCV002702022.4), dbSNP rs770982866, ClinGen allele CA7647051.